The following is an entry in ClinVar:

NM_005027.4(PIK3R2):c.811G>T (p.Asp271Tyr)

Genes: PIK3R2 (phosphoinositide-3-kinase regulatory subunit 2; plus strand), LOC130063979 (ATAC-STARR-seq lymphoblastoid silent region 10375; plus strand). Cytogenetic location: 19p13.11.
Variant type: single nucleotide variant.
Coding change: c.811G>T on transcript NM_005027.4 (MANE Select); coding-DNA position 811, G replaced by T.
Protein change: p.Asp271Tyr; replaces aspartic acid 271 with tyrosine.
Molecular consequence: missense variant. On other transcripts: non-coding transcript variant (1).
Genome position (GRCh38, 1-based): chr19:18,161,491, G>T. VCF-style: chr19-18161491-G-T. GRCh37 (hg19) VCF-style: chr19-18272301-G-T.
Other names: short protein forms D271Y.
Identifiers: ClinVar variation 1711475 (VCV001711475.32), dbSNP rs2043745907, ClinGen allele CA404806535.

ClinVar aggregate classification (germline): Uncertain significance. Review status: criteria provided, multiple submitters, no conflicts (2 of 4 stars). 2 submissions from 2 submitters: Uncertain significance (2). Last evaluated 2024-02-10.

Conditions:
Megalencephaly-polymicrogyria-postaxial polydactyly-hydrocephalus syndrome. Also called: MPPH Syndrome; MEG-PMG-MEGACC SYNDROME. Identifiers: Orphanet 83473, MedGen C1863924, MONDO:0019375.

Allele frequency attached by ClinVar (database versions not stated): TOPMed below 0.00001.
gnomAD v4.1: 3 of 1,117,764 alleles (0.00027%); highest among the groups gnomAD compares: Non-Finnish European, 0.00034%; no homozygotes.

Submissions (2):

Labcorp Genetics (formerly Invitae), Labcorp
Classification: Uncertain significance for Megalencephaly-polymicrogyria-postaxial polydactyly-hydrocephalus syndrome. Last evaluated: 2024-02-10. Review status: criteria provided, single submitter. Criteria: Invitae Variant Classification Sherloc (09022015). Collection method: clinical testing. Allele origin: germline.
Comment: This sequence change replaces aspartic acid, which is acidic and polar, with tyrosine, which is neutral and polar, at codon 271 of the PIK3R2 protein (p.Asp271Tyr). The frequency data for this variant in the population databases is considered unreliable, as metrics indicate insufficient coverage at this position in the gnomAD database. This variant has not been reported in the literature in individuals affected with PIK3R2-related conditions. ClinVar contains an entry for this variant (Variation ID: 1711475). Advanced modeling of protein sequence and biophysical properties (such as structural, functional, and spatial information, amino acid conservation, physicochemical variation, residue mobility, and thermodynamic stability) performed at Invitae indicates that this missense variant is not expected to disrupt PIK3R2 protein function with a negative predictive value of 95%. In summary, the available evidence is currently insufficient to determine the role of this variant in disease. Therefore, it has been classified as a Variant of Uncertain Significance.

CeGaT Center for Human Genetics Tuebingen
Classification: Uncertain significance. Last evaluated: 2022-08-01. Review status: criteria provided, single submitter. Criteria: CeGaT Center For Human Genetics Tuebingen Variant Classification Criteria Version 2. Collection method: clinical testing. Allele origin: germline. Affected: yes. Observed: 1 variant allele.
Comment: PIK3R2: PM2